The following is an entry in ClinVar:

NM_005629.4(SLC6A8):c.729G>A (p.Trp243Ter)

Gene: SLC6A8 (solute carrier family 6 member 8; plus strand). Cytogenetic location: Xq28.
Variant type: single nucleotide variant.
Coding change: c.729G>A on transcript NM_005629.4 (MANE Select); coding-DNA position 729, G replaced by A.
Protein change: p.Trp243Ter; replaces tryptophan 243 with a stop codon.
Molecular consequence: nonsense.
Genome position (GRCh38, 1-based): chrX:153,692,059, G>A. VCF-style: chrX-153692059-G-A. GRCh37 (hg19) VCF-style: chrX-152957514-G-A.
Other names: c.729G>A, p.Trp243Ter (NM_001142805.2); c.384G>A, p.Trp128Ter (NM_001142806.1); short protein forms W128*, W243*.
Identifiers: ClinVar variation 3765846 (VCV003765846.1).

ClinVar aggregate classification (germline): Pathogenic (1 of 4 stars; one submission).

Conditions:
Creatine transporter deficiency (CCDS1). Also called: CEREBRAL CREATINE DEFICIENCY SYNDROME 1; Creatine Transporter (CRTR) Deficiency; Mental retardation , X-linked with seizures, short stature and midface hypoplasia; Mental retardation , X-linked, with creatine transport deficiency; X-linked creatine transporter deficiency; X-linked creatine deficiency syndrome. Identifiers: Orphanet 52503, MedGen C1845862, MONDO:0010305, OMIM 300352.

Submission:

Greenwood Genetic Center Diagnostic Laboratories, Greenwood Genetic Center
Classification: Pathogenic for Creatine transporter deficiency. Last evaluated: 2024-12-30. Review status: criteria provided, single submitter. Criteria: ACMG Guidelines, 2015. Collection method: clinical testing. Allele origin: germline. Affected: yes.
Comment: PVS1, PS2, PM2